The following is an entry in ClinVar:

ClinVar aggregate classification (germline): Uncertain significance. Review status: criteria provided, multiple submitters, no conflicts (2 of 4 stars). 2 submissions from 2 submitters: Uncertain significance (2). Last evaluated 2026-03-09.

Conditions:
Short-rib thoracic dysplasia 10 with or without polydactyly (SRTD10). Identifiers: Orphanet 474, MedGen C3810175, MONDO:0014284, OMIM 615630.
Retinitis pigmentosa 71 (RP71). Identifiers: Orphanet 791, MedGen C4225342, MONDO:0014618, OMIM 616394.
IFT172-related disorder. Also called: IFT172-related disorders; IFT172-related condition.

Allele frequency attached by ClinVar (database versions not stated): TOPMed 0.00001.
gnomAD v4.1: 2 of 1,613,712 alleles (0.00012%); highest among the groups gnomAD compares: East Asian, 0.0022%; no homozygotes.

Submissions (2):

PreventionGenetics, part of Exact Sciences
Classification: Uncertain significance for IFT172-related condition. Last evaluated: 2026-03-09. Review status: criteria provided, single submitter. Criteria: ACMG Guidelines, 2015. Collection method: clinical testing. Allele origin: germline.
Comment: The IFT172 c.5204G>A variant is predicted to result in the amino acid substitution p.Ser1735Asn. To our knowledge, this variant has not been reported in the literature. This variant is reported in 0.0054% of alleles in individuals of East Asian descent in gnomAD. At this time, the clinical significance of this variant is uncertain due to the absence of conclusive functional and genetic evidence.

Labcorp Genetics (formerly Invitae), Labcorp
Classification: Uncertain significance for Retinitis pigmentosa 71; Short-rib thoracic dysplasia 10 with or without polydactyly. Last evaluated: 2022-08-21. Review status: criteria provided, single submitter. Criteria: Invitae Variant Classification Sherloc (09022015). Collection method: clinical testing. Allele origin: germline.
Comment: This variant has not been reported in the literature in individuals affected with IFT172-related conditions. This variant is present in population databases (no rsID available, gnomAD 0.006%). This sequence change replaces serine, which is neutral and polar, with asparagine, which is neutral and polar, at codon 1735 of the IFT172 protein (p.Ser1735Asn). Algorithms developed to predict the effect of missense changes on protein structure and function (SIFT, PolyPhen-2, Align-GVGD) all suggest that this variant is likely to be tolerated. In summary, the available evidence is currently insufficient to determine the role of this variant in disease. Therefore, it has been classified as a Variant of Uncertain Significance.

NM_015662.3(IFT172):c.5204G>A (p.Ser1735Asn)

Genes: IFT172 (intraflagellar transport 172; minus strand), KRTCAP3 (keratinocyte associated protein 3; plus strand). Cytogenetic location: 2p23.3.
Variant type: single nucleotide variant.
Coding change: c.5204G>A on transcript NM_015662.3 (MANE Select); coding-DNA position 5204, G replaced by A.
Protein change: p.Ser1735Asn; replaces serine 1735 with asparagine.
Molecular consequence: missense variant. On other transcripts: intron variant (1).
Genome position (GRCh38, 1-based): chr2:27,444,478, C>T on the plus strand (G>A on the coding strand, the complement: IFT172 is on the minus strand). VCF-style: chr2-27444478-C-T. GRCh37 (hg19) VCF-style: chr2-27667345-C-T.
Other names: c.5138G>A, p.Ser1713Asn (NM_001410739.1); c.*5+417C>T (NM_001168364.2); short protein forms S1713N, S1735N.
Identifiers: ClinVar variation 2198980 (VCV002198980.4), dbSNP rs1238875084, ClinGen allele CA346409914.
Genomic context (GRCh38, chr2:27,444,478, plus strand): 5'-CTCAGCTCTACCAACTACTGAAAGGAAAAGCTGGTGCTGGGGAGCCCTCCACACCACTGA[C>T]TGATGAATTTCAGCACGTCCTGGCACACTGGGCTGTGGGAGGTCTGTGAGCAAATGGAAG-3'
Protein context (NP_056477.1, residues 1725-1745): PVCQDVLKFI[Ser1735Asn]QWCGGLPSTS